The following is an entry in ClinVar:

ClinVar aggregate classification (germline): Uncertain significance (1 of 4 stars; one submission).

gnomAD v4.1: 31 of 1,613,254 alleles (0.0019%); highest among the groups gnomAD compares: South Asian, 0.034%; no homozygotes.

Submission:

Ambry Genetics
Classification: Uncertain significance. Last evaluated: 2024-12-15. Review status: criteria provided, single submitter. Criteria: Ambry Variant Classification Scheme 2023. Collection method: clinical testing. Allele origin: germline.
Comment: The p.K658N variant (also known as c.1974G>C), located in coding exon 3 of the CDK12 gene, results from a G to C substitution at nucleotide position 1974. The lysine at codon 658 is replaced by asparagine, an amino acid with similar properties. This amino acid position is conserved. In addition, this alteration is predicted to be tolerated by in silico analysis. Based on the available evidence, the clinical significance of this variant remains unclear.

NM_016507.4(CDK12):c.1974G>C (p.Lys658Asn)

Gene: CDK12 (cyclin dependent kinase 12; plus strand). Cytogenetic location: 17q12.
Variant type: single nucleotide variant.
Coding change: c.1974G>C on transcript NM_016507.4 (MANE Select); coding-DNA position 1974, G replaced by C.
Protein change: p.Lys658Asn; replaces lysine 658 with asparagine.
Molecular consequence: missense variant.
Genome position (GRCh38, 1-based): chr17:39,490,599, G>C. VCF-style: chr17-39490599-G-C. GRCh37 (hg19) VCF-style: chr17-37646852-G-C.
Other names: c.1974G>C, p.Lys658Asn (NM_015083.4); short protein forms K658N.
Identifiers: ClinVar variation 3489416 (VCV003489416.2).